The following is an entry in ClinVar:

NM_001161403.3(LIMS2):c.378C>G (p.Cys126Trp)

Gene: LIMS2 (LIM zinc finger domain containing 2; minus strand). Cytogenetic location: 2q14.3.
Variant type: single nucleotide variant.
Coding change: c.378C>G on transcript NM_001161403.3 (MANE Select); coding-DNA position 378, C replaced by G.
Protein change: p.Cys126Trp; replaces cysteine 126 with tryptophan.
Molecular consequence: missense variant. On other transcripts: 5 prime UTR variant (1).
Genome position (GRCh38, 1-based): chr2:127,643,054, G>C on the plus strand (C>G on the coding strand, the complement: LIMS2 is on the minus strand). VCF-style: chr2-127643054-G-C. GRCh37 (hg19) VCF-style: chr2-128400629-G-C.
Other names: c.444C>G, p.Cys148Trp (NM_001136037.4); c.363C>G, p.Cys121Trp (NM_001161404.2); c.-79C>G (NM_001256542.2); c.450C>G, p.Cys150Trp (NM_017980.5); short protein forms C150W, C126W, C148W, C121W.
Identifiers: ClinVar variation 1506369 (VCV001506369.8), dbSNP rs1226628972, ClinGen allele CA348426749.

ClinVar aggregate classification (germline): Uncertain significance (1 of 4 stars; one submission).

Conditions:
Autosomal recessive limb-girdle muscular dystrophy type 2W (MDRCMTT). Also called: Muscular dystrophy, limb-girdle, type 2W; Muscular dystrophy, autosomal recessive, with cardiomyopathy and triangular tongue. Identifiers: MedGen C4225192, MONDO:0014788, OMIM 616827.

Submission:

Labcorp Genetics (formerly Invitae), Labcorp
Classification: Uncertain significance for Autosomal recessive limb-girdle muscular dystrophy type 2W. Last evaluated: 2022-07-06. Review status: criteria provided, single submitter. Criteria: Invitae Variant Classification Sherloc (09022015). Collection method: clinical testing. Allele origin: germline.
Comment: This variant is not present in population databases (gnomAD no frequency). In summary, the available evidence is currently insufficient to determine the role of this variant in disease. Therefore, it has been classified as a Variant of Uncertain Significance. Algorithms developed to predict the effect of missense changes on protein structure and function (SIFT, PolyPhen-2, Align-GVGD) all suggest that this variant is likely to be disruptive. ClinVar contains an entry for this variant (Variation ID: 1506369). This variant has not been reported in the literature in individuals affected with LIMS2-related conditions. This sequence change replaces cysteine, which is neutral and slightly polar, with tryptophan, which is neutral and slightly polar, at codon 148 of the LIMS2 protein (p.Cys148Trp).